The following is an entry in ClinVar:

NM_000038.6(APC):c.4395T>A (p.Ser1465Arg)

Gene: APC (APC regulator of Wnt signaling pathway; plus strand). Cytogenetic location: 5q22.2.
Variant type: single nucleotide variant.
Coding change: c.4395T>A on transcript NM_000038.6 (MANE Select); coding-DNA position 4395, T replaced by A.
Protein change: p.Ser1465Arg; replaces serine 1465 with arginine.
Molecular consequence: missense variant.
Genome position (GRCh38, 1-based): chr5:112,839,989, T>A. VCF-style: chr5-112839989-T-A. GRCh37 (hg19) VCF-style: chr5-112175686-T-A.
Other names: c.4395T>A (LRG_130t1); c.4395T>A, p.Ser1465Arg (NM_001127510.3, NM_001354895.2); c.4341T>A, p.Ser1447Arg (NM_001127511.3); c.4449T>A, p.Ser1483Arg (NM_001354896.2); c.4425T>A, p.Ser1475Arg (NM_001354897.2); c.4320T>A, p.Ser1440Arg (NM_001354898.2); c.4311T>A, p.Ser1437Arg (NM_001354899.2); c.4272T>A, p.Ser1424Arg (NM_001354900.2); and 6 more; short protein forms S1447R, S1465R, S1305R, S1374R, S1475R, S1364R, S1406R, S1424R.
Identifiers: ClinVar variation 216164 (VCV000216164.46), dbSNP rs779898882, ClinGen allele CA038949.

ClinVar aggregate classification (germline): Conflicting classifications of pathogenicity. Review status: criteria provided, conflicting classifications (1 of 4 stars). 13 submissions from 13 submitters: Uncertain significance (10); Likely benign (2). 1 of the submissions does not count toward it. Last evaluated 2026-02-04.

Conditions:
Classic or attenuated familial adenomatous polyposis. Identifiers: MedGen CN372698, MONDO:0021057.
APC-related disorder. Also called: APC-related condition.
Hereditary cancer-predisposing syndrome. Also called: Neoplastic Syndromes, Hereditary; Tumor predisposition; Hereditary Cancer Syndrome; Hereditary neoplastic syndrome. Identifiers: Orphanet 140162, MedGen C0027672, MeSH D009386, MONDO:0015356.
Familial adenomatous polyposis 1 (FAP1). Also called: FAMILIAL ADENOMATOUS POLYPOSIS 1, ATTENUATED; POLYPOSIS, ADENOMATOUS INTESTINAL. Identifiers: MedGen C2713442, MONDO:0021056, OMIM 175100. Disease mechanism: loss of function.

Allele frequency attached by ClinVar (database versions not stated): ExAC 0.00002; gnomAD exomes 0.00002 and 0.00006; gnomAD 0.00004; TOPMed 0.00004.
gnomAD v4.1: 100 of 1,613,558 alleles (0.0062%); highest among the groups gnomAD compares: Non-Finnish European, 0.008%; no homozygotes.

Submissions (13):

Labcorp Genetics (formerly Invitae), Labcorp
Classification: Likely benign for Familial adenomatous polyposis 1. Last evaluated: 2026-02-04. Review status: criteria provided, single submitter. Criteria: Invitae Variant Classification Sherloc (09022015). Collection method: clinical testing. Allele origin: germline.

PreventionGenetics, part of Exact Sciences
Classification: Uncertain significance for APC-related condition. Last evaluated: 2026-01-07. Review status: criteria provided, single submitter. Criteria: ACMG Guidelines, 2015. Collection method: clinical testing. Allele origin: germline.
Comment: The APC c.4395T>A variant is predicted to result in the amino acid substitution p.Ser1465Arg. To our knowledge, this variant has not been reported in the literature. This variant is reported in 0.0035% of alleles in individuals of European (Non-Finnish) descent in gnomAD and has conflicting interpretations in ClinVar ranging from likely benign to uncertain (Variation ID: 216164). Although we suspect that this variant may be benign, at this time, the clinical significance of this variant is uncertain due to the absence of conclusive functional and genetic evidence.

Women's Health and Genetics/Laboratory Corporation of America, LabCorp
Classification: Uncertain significance. Last evaluated: 2025-10-13. Review status: criteria provided, single submitter. Criteria: LabCorp Variant Classification Summary - May 2015. Collection method: clinical testing. Allele origin: germline.
Comment: Variant summary: APC c.4395T>A (p.Ser1465Arg) results in a non-conservative amino acid change in the encoded protein sequence. Algorithms developed to predict the effect of missense changes on protein structure and function are either unavailable or do not agree on the potential impact of this missense change. The variant allele was found at a frequency of 1.6e-05 in 251176 control chromosomes. The available data on variant occurrences in the general population are insufficient to allow any conclusion about variant significance. c.4395T>A has been observed in individuals affected with breast cancer (Gurda_2017, Bonache_2018). These report(s) do not provide unequivocal conclusions about association of the variant with Familial Adenomatous Polyposis. To our knowledge, no experimental evidence demonstrating an impact on protein function has been reported. The following publications have been ascertained in the context of this evaluation (PMID: 30306255, 26862949). ClinVar contains an entry for this variant (Variation ID: 216164). Based on the evidence outlined above, the variant was classified as uncertain significance.

Quest Diagnostics Nichols Institute San Juan Capistrano
Classification: Uncertain significance. Last evaluated: 2025-09-17. Review status: criteria provided, single submitter. Criteria: Quest Diagnostics criteria. Collection method: clinical testing. Allele origin: unknown.
Comment: The APC c.4395T>A (p.Ser1465Arg) variant has been reported in the published literature in individuals with a personal and/or family history of breast and/or ovarian cancer (PMID: 30306255 (2018)), renal cell carcinoma (PMID: 25742471 (2015)), and urothelial cancer (PMID: 37088804 (2023)). The frequency of this variant in the general population (Genome Aggregation Database) is uninformative in the assessment of its pathogenicity. Analysis of this variant using bioinformatics tools for the prediction of the effect of amino acid changes on protein structure and function yielded predictions that this variant is benign. Based on the available information, we are unable to determine the clinical significance of this variant.

GeneDx
Classification: Uncertain significance. Last evaluated: 2025-01-31. Review status: criteria provided, single submitter. Criteria: GeneDx Variant Classification Process June 2021. Collection method: clinical testing. Allele origin: germline. Affected: yes.
Comment: Not observed at significant frequency in large population cohorts (gnomAD); In silico analysis indicates that this missense variant does not alter protein structure/function; This variant is associated with the following publications: (PMID: 27194209, 21859464, 26336887, 18369740, 30306255, 25742471, 26862949, 18199528)

All of Us Research Program, National Institutes of Health
Classification: Uncertain significance for Classic or attenuated familial adenomatous polyposis. Last evaluated: 2024-08-30. Review status: criteria provided, single submitter. Criteria: ACMG Guidelines, 2015. Collection method: clinical testing. Allele origin: germline. Inheritance: Autosomal dominant inheritance. Observed: 21 variant alleles, 21 heterozygotes.
Comment: This missense variant replaces serine with arginine at codon 1465 of the APC protein. Computational prediction suggests that this variant may not impact protein structure and function (internally defined REVEL score threshold <= 0.5, PMID: 27666373). Splice site prediction tools suggest that this variant may not impact RNA splicing. To our knowledge, functional studies have not been performed for this variant. This variant has been reported in an individual affected with an unspecified cancer (PMID: 25742471). This variant has been identified in 4/251176 chromosomes in the general population by the Genome Aggregation Database (gnomAD). The available evidence is insufficient to determine the role of this variant in disease conclusively. Therefore, this variant is classified as a Variant of Uncertain Significance.

This study involves interpretation of variants in research participants for the purpose of population health screening. Participant phenotype was not available at the time of variant classification. Additional details can be found in publication PMID: 35346344, PMCID: PMC8962531

Color Diagnostics, LLC DBA Color Health
Classification: Uncertain significance for Hereditary cancer-predisposing syndrome. Last evaluated: 2024-04-18. Review status: criteria provided, single submitter. Criteria: ACMG Guidelines, 2015. Collection method: clinical testing. Allele origin: germline.
Comment: This missense variant replaces serine with arginine at codon 1465 of the APC protein. Computational prediction suggests that this variant may not impact protein structure and function (internally defined REVEL score threshold <= 0.5, PMID: 27666373). To our knowledge, functional studies have not been reported for this variant. This variant has not been reported in individuals affected with APC-related disorders in the literature. This variant has been identified in 4/251176 chromosomes in the general population by the Genome Aggregation Database (gnomAD). The available evidence is insufficient to determine the role of this variant in disease conclusively. Therefore, this variant is classified as a Variant of Uncertain Significance.

Myriad Genetics, Inc.
Classification: Uncertain significance for Familial adenomatous polyposis 1. Last evaluated: 2023-02-15. Review status: criteria provided, single submitter. Criteria: Myriad Autosomal Dominant, Autosomal Recessive and X-Linked Classification Criteria (2023). Collection method: clinical testing. Allele origin: unknown.
Comment: This variant is classified as a variant of uncertain significance as there is insufficient evidence to determine its impact on protein function and/or cancer risk.

Sema4
Classification: Uncertain significance for Hereditary cancer-predisposing syndrome. Last evaluated: 2022-02-02. Review status: criteria provided, single submitter. Criteria: Sema4 Curation Guidelines. Collection method: curation. Allele origin: germline.
Comment: The APC c.4395T>A (p.S1465R) variant has been reported in heterozygosity in at least 1 individual with an unspecified type of cancer (PMID: 30306255). This variant was observed in 4/113506 chromosomes in the Non-Finnish European population, according to the Genome Aggregation Database (PMID: 32461654). The variant has been reported in ClinVar (Variation ID: 216164). Functional studies have not been performed, and in silico predictions of the variant's effect on protein function are inconclusive. The evidence is insufficient to meet ACMG/AMP criteria for classifying the variant as benign or pathogenic. Thus, the clinical significance of this variant is currently uncertain.

Genetic Services Laboratory, University of Chicago
Classification: Uncertain significance. Last evaluated: 2021-10-19. Review status: criteria provided, single submitter. Criteria: ACMG Guidelines, 2015. Collection method: clinical testing. Allele origin: germline. Affected: no.
Comment: DNA sequence analysis of the APC gene demonstrated a sequence change, c.4395T>A, in exon 16 that results in an amino acid change, p.Ser1465Arg. This sequence change has been described in the gnomAD database with a frequency of 0.004% in the non-Finnish European subpopulation (dbSNP rs779898882). The p.Ser1465Arg change affects a moderately conserved amino acid residue located in a domain of the APC protein that is not known to be functional. The p.Ser1465Arg substitution appears to be benign using several in-silico pathogenicity prediction tools (SIFT, PolyPhen2, Align GVGD, REVEL). This sequence change has been previously reported in an individual with clear cell renal cell carcinoma (PMID: 25742471). Due to insufficient evidences and the lack of functional studies, the clinical significance of the p.Ser1465Arg change remains unknown at this time.

ARUP Laboratories, Molecular Genetics and Genomics, ARUP Laboratories
Classification: Uncertain significance. Last evaluated: 2020-11-14. Review status: criteria provided, single submitter. Criteria: ARUP Molecular Germline Variant Investigation Process 2021. Collection method: clinical testing. Allele origin: germline.
Comment: The APC c.4395T>A; p.Ser1465Arg variant (rs779898882) has been published in the germline of at least one individual undergoing multi-gene cancer testing (Wong 2015). The variant is reported in the ClinVar database (Variation ID: 216164) and is found in the European (non-Finnish) population with an allele frequency of 0.004% (4/113,506 alleles) in the Genome Aggregation Database. The serine at codon 1465 is moderately conserved, but computational analyses are uncertain whether this variant is neutral or deleterious (REVEL: 0.175). However, the vast majority of pathogenic APC variants are truncating nonsense or frameshift variants (see InSiGHt, Kerr 2013). Due to limited information, the clinical significance of the p.Ser1465Arg variant is uncertain at this time. References: Link to InSiGHt. Kerr SE et al. APC germline mutations in individuals being evaluated for familial adenomatous polyposis: a review of the Mayo Clinic experience with 1591 consecutive tests. J Mol Diagn. 2013 Jan;15(1):31-43. Wong SQ et al. Assessing the clinical value of targeted massively parallel sequencing in a longitudinal, prospective population-based study of cancer patients. Br J Cancer. 2015 Apr 14;112(8):1411-20.

Ambry Genetics
Classification: Likely benign for Hereditary cancer-predisposing syndrome. Last evaluated: 2020-09-28. Review status: criteria provided, single submitter. Criteria: Ambry Variant Classification Scheme 2023. Collection method: clinical testing. Allele origin: germline.

Counsyl
Classification: Uncertain significance for Familial adenomatous polyposis 1. Last evaluated: 2017-02-16. Review status: no assertion criteria provided. Collection method: clinical testing. Allele origin: unknown. Not counted in ClinVar's aggregate classification.

Literature cited by the submitters: PubMed 30306255 (cited by 3 submitters); PubMed 26862949 (cited by Women's Health and Genetics/Laboratory Corporation of America, LabCorp and Quest Diagnostics Nichols Institute San Juan Capistrano); PubMed 18369740 (cited by Quest Diagnostics Nichols Institute San Juan Capistrano); PubMed 21859464 (cited by Quest Diagnostics Nichols Institute San Juan Capistrano); PubMed 26336887 (cited by Quest Diagnostics Nichols Institute San Juan Capistrano); PubMed 25742471 (cited by 4 submitters); PubMed 37088804 (cited by Quest Diagnostics Nichols Institute San Juan Capistrano).